The following is an entry in ClinVar:

ClinVar aggregate classification (germline): Uncertain significance. Review status: criteria provided, single submitter (1 of 4 stars). 2 submissions from 2 submitters: Uncertain significance (1). 1 of the submissions does not count toward it. Last evaluated 2023-04-12.

Conditions:
Familial cancer of breast. Also called: BREAST CANCER, FAMILIAL; Hereditary breast cancer; hereditary breast carcinoma. Identifiers: Orphanet 227535, MedGen C0346153, MONDO:0016419, OMIM 114480. Disease mechanism: loss of function.

gnomAD v4.1: 2 of 1,611,518 alleles (0.00012%); highest among the groups gnomAD compares: South Asian, 0.0022%; no homozygotes.

Submissions (2):

Labcorp Genetics (formerly Invitae), Labcorp
Classification: Uncertain significance for Familial cancer of breast. Last evaluated: 2023-04-12. Review status: criteria provided, single submitter. Criteria: Invitae Variant Classification Sherloc (09022015). Collection method: clinical testing. Allele origin: germline.
Comment: In summary, the available evidence is currently insufficient to determine the role of this variant in disease. Therefore, it has been classified as a Variant of Uncertain Significance. Advanced modeling of protein sequence and biophysical properties (such as structural, functional, and spatial information, amino acid conservation, physicochemical variation, residue mobility, and thermodynamic stability) performed at Invitae indicates that this missense variant is expected to disrupt PALB2 protein function. ClinVar contains an entry for this variant (Variation ID: 830197). This variant has not been reported in the literature in individuals affected with PALB2-related conditions. This variant is not present in population databases (gnomAD no frequency). This sequence change replaces serine, which is neutral and polar, with phenylalanine, which is neutral and non-polar, at codon 1065 of the PALB2 protein (p.Ser1065Phe).

Leiden Open Variation Database
Classification: Uncertain significance. Last evaluated: 2018-10-10. Review status: no assertion criteria provided. Collection method: curation. Allele origin: germline. Affected: yes. Not counted in ClinVar's aggregate classification.
Comment: Curators: Marc Tischkowitz, Arleen D. Auerbach. Submitter to LOVD: Yukihide Momozawa.

Literature cited by the submitters: PubMed 30287823 (cited by Leiden Open Variation Database).

NM_024675.4(PALB2):c.3194C>T (p.Ser1065Phe)

Gene: PALB2 (partner and localizer of BRCA2; minus strand). Cytogenetic location: 16p12.2.
Variant type: single nucleotide variant.
Coding change: c.3194C>T on transcript NM_024675.4 (MANE Select); coding-DNA position 3194, C replaced by T.
Protein change: p.Ser1065Phe; replaces serine 1065 with phenylalanine.
Molecular consequence: missense variant.
Genome position (GRCh38, 1-based): chr16:23,614,011, G>A on the plus strand (C>T on the coding strand, the complement: PALB2 is on the minus strand). VCF-style: chr16-23614011-G-A. GRCh37 (hg19) VCF-style: chr16-23625332-G-A.
Other names: short protein forms S1065F.
Identifiers: ClinVar variation 830197 (VCV000830197.4), dbSNP rs1347982621, ClinGen allele CA395141116.